The following is an entry in ClinVar:

ClinVar aggregate classification (germline): Uncertain significance (1 of 4 stars; one submission).

Conditions:
Short-rib thoracic dysplasia 11 with or without polydactyly (SRTD11). Also called: SHORT-RIB THORACIC DYSPLASIA 11 WITHOUT POLYDACTYLY. Identifiers: Orphanet 474, Orphanet 93271, MedGen C3810200, MONDO:0014287, OMIM 615633.

Allele frequency attached by ClinVar (database versions not stated): TOPMed below 0.00001.

Submission:

Labcorp Genetics (formerly Invitae), Labcorp
Classification: Uncertain significance for Short-rib thoracic dysplasia 11 with or without polydactyly. Last evaluated: 2024-02-17. Review status: criteria provided, single submitter. Criteria: Invitae Variant Classification Sherloc (09022015). Collection method: clinical testing. Allele origin: germline.
Comment: This sequence change replaces threonine, which is neutral and polar, with serine, which is neutral and polar, at codon 372 of the WDR34 protein (p.Thr372Ser). This variant is not present in population databases (gnomAD no frequency). This variant has not been reported in the literature in individuals affected with WDR34-related conditions. ClinVar contains an entry for this variant (Variation ID: 1681203). An algorithm developed to predict the effect of missense changes on protein structure and function (PolyPhen-2) suggests that this variant¬†is likely to be tolerated. In summary, the available evidence is currently insufficient to determine the role of this variant in disease. Therefore, it has been classified as a Variant of Uncertain Significance.

NM_052844.4(DYNC2I2):c.1114A>T (p.Thr372Ser)

Genes: DYNC2I2 (dynein 2 intermediate chain 2; minus strand), LOC126860772 (CDK7 strongly-dependent group 2 enhancer GRCh37_chr9:131396972-131398171; plus strand). Cytogenetic location: 9q34.11.
Variant type: single nucleotide variant.
Coding change: c.1114A>T on transcript NM_052844.4 (MANE Select); coding-DNA position 1114, A replaced by T.
Protein change: p.Thr372Ser; replaces threonine 372 with serine.
Molecular consequence: missense variant.
Genome position (GRCh38, 1-based): chr9:128,634,789, T>A on the plus strand (A>T on the coding strand, the complement: DYNC2I2 is on the minus strand). VCF-style: chr9-128634789-T-A. GRCh37 (hg19) VCF-style: chr9-131397068-T-A.
Other names: short protein forms T372S.
Identifiers: ClinVar variation 1681203 (VCV001681203.5), dbSNP rs1589428189, ClinGen allele CA375112826.